The following is an entry in ClinVar:

Conditions:
Breast-ovarian cancer, familial, susceptibility to, 1 (BROVCA1). Also called: BRCA1 Hereditary Breast and Ovarian Cancer; OVARIAN CANCER, SUSCEPTIBILITY TO. Identifiers: Orphanet 145, MedGen C2676676, MONDO:0011450, OMIM 604370. Disease mechanism: loss of function.

Submission:

Brotman Baty Institute, University of Washington
No classification provided (evidence only). Condition: Breast-ovarian cancer, familial 1. Review status: no classification provided. Collection method: in vitro. Allele origin: not applicable. Functional consequence: functionally_normal.
ClinVar note: "not provided" was previously submitted as the classification for the variant. However, the classification appeared to be based only on an observation of functional data so it was converted to no classification on 2025-07-30.

NM_007294.4(BRCA1):c.4987-8A>T

Gene: BRCA1 (BRCA1 DNA repair associated; minus strand). Cytogenetic location: 17q21.31.
Variant type: single nucleotide variant.
Coding change: c.4987-8A>T on transcript NM_007294.4 (MANE Select); 8 bases into the intron before coding-DNA position 4987, A replaced by T.
Molecular consequence: intron variant.
Genome position (GRCh38, 1-based): chr17:43,067,703, T>A on the plus strand (A>T on the coding strand, the complement: BRCA1 is on the minus strand). VCF-style: chr17-43067703-T-A. GRCh37 (hg19) VCF-style: chr17-41219720-T-A.
Other names: c.1465-8A>T (NM_001408484.1, NM_001408485.1, NM_001408483.1 and 5 more transcripts); c.1468-8A>T (NM_001408478.1, NM_001408480.1, NM_001408479.1); c.4774-8A>T (NM_001407907.1, NM_001407902.1, NM_001407897.1 and 12 more transcripts); c.4777-8A>T (NM_001407879.1, NM_001407882.1, NM_001407885.1 and 5 more transcripts); c.1549-8A>T (NM_001408450.1, NM_001408447.1, NM_001408446.1 and 2 more transcripts); c.1552-8A>T (NM_001408434.1, NM_001408440.1, NM_001408433.1 and 10 more transcripts); c.4861-8A>T (NM_001407672.1, NM_001407678.1, NM_001407673.1 and 11 more transcripts); c.1672-8A>T (NM_001408398.1, NM_001408400.1, NM_001408392.1 and 8 more transcripts); and 71 more.
Identifiers: ClinVar variation 868488 (VCV000868488.3), dbSNP rs1597826282, ClinGen allele CA916080174.
Genomic context (GRCh38, chr17:43,067,703, plus strand): 5'-ATTAGATTAGTTAAAGTGATGTGGTGTTTTCTGGCAAACTTGTACACGAGCATCTGAAAT[T>A]AAATCAAATATTCCATTATCATGAGTTACCTCTAGCACACAGCTCAGAATACTAGTTATT-3'